The following is an entry in ClinVar:

NM_001142800.2(EYS):c.3562C>T (p.Gln1188Ter)

Gene: EYS (EGF-like photoreceptor maintenance factor; minus strand). Cytogenetic location: 6q12.
Variant type: single nucleotide variant.
Coding change: c.3562C>T on transcript NM_001142800.2 (MANE Select); coding-DNA position 3562, C replaced by T.
Protein change: p.Gln1188Ter; replaces glutamine 1188 with a stop codon.
Molecular consequence: nonsense.
Genome position (GRCh38, 1-based): chr6:64,626,127, G>A on the plus strand (C>T on the coding strand, the complement: EYS is on the minus strand). VCF-style: chr6-64626127-G-A. GRCh37 (hg19) VCF-style: chr6-65336020-G-A.
Other names: c.3562C>T, p.Gln1188Ter (NM_001292009.2); short protein forms Q1188*.
Identifiers: ClinVar variation 1070198 (VCV001070198.17), dbSNP rs2149856749, ClinGen allele CA364785264.

ClinVar aggregate classification (germline): Pathogenic/Likely pathogenic. Review status: criteria provided, multiple submitters, no conflicts (2 of 4 stars). 7 submissions from 7 submitters: Pathogenic (3); Likely pathogenic (1). 3 of the submissions do not count toward it. Last evaluated 2026-06-04.

Conditions:
EYS-related disorder. Also called: EYS-related condition.
Retinal dystrophy. Also called: Inherited retinal dystrophy. Identifiers: Orphanet 71862, MedGen C0854723, MeSH D058499, MONDO:0019118, HP:0000556.
Retinitis pigmentosa 25 (RP25). Identifiers: Orphanet 791, MedGen C1864446, MONDO:0011272, OMIM 602772.

Submissions (7):

Myriad Genetics, Inc.
Classification: Pathogenic for Retinitis pigmentosa 25. Last evaluated: 2026-06-04. Review status: criteria provided, single submitter. Criteria: Myriad Autosomal Dominant, Autosomal Recessive and X-Linked Classification Criteria (2023). Collection method: clinical testing. Allele origin: unknown.
Comment: NM_001142800.1(EYS):c.3562C>T(Q1188*) is expected to be pathogenic in the context of retinitis pigmentosa, EYS-related. This variant is predicted to lead to an abnormal or absent protein product due to the creation of a premature termination codon in EYS, a gene where loss-of-function variants are known to be pathogenic. Please note: this variant was assessed in the context of healthy population screening.

Blueprint Genetics
Classification: Likely pathogenic for EYS-related disorders. Last evaluated: 2021-11-10. Review status: criteria provided, single submitter. Criteria: ACMG Guidelines, 2015. Collection method: clinical testing. Allele origin: germline. Affected: yes. Observed: 2 variant alleles.

Labcorp Genetics (formerly Invitae), Labcorp
Classification: Pathogenic. Last evaluated: 2020-09-24. Review status: criteria provided, single submitter. Criteria: Invitae Variant Classification Sherloc (09022015). Collection method: clinical testing. Allele origin: germline.
Comment: For these reasons, this variant has been classified as Pathogenic. Loss-of-function variants in EYS are known to be pathogenic (PMID: 18836446, 20333770). This variant has been observed in individual(s) with retinitis pigmentosa (PMID: 29159838). This variant is not present in population databases (ExAC no frequency). This sequence change creates a premature translational stop signal (p.Gln1188*) in the EYS gene. It is expected to result in an absent or disrupted protein product.

Institute of Human Genetics, Univ. Regensburg, Univ. Regensburg
Classification: Pathogenic for Retinal dystrophy. Last evaluated: 2018-01-01. Review status: criteria provided, single submitter. Criteria: ACMG Guidelines, 2015. Collection method: clinical testing. Allele origin: germline. Affected: yes.

Natera, Inc.
Classification: Pathogenic for Retinitis pigmentosa type 25. Last evaluated: 2021-08-30. Review status: no assertion criteria provided. Collection method: clinical testing. Allele origin: germline. Not counted in ClinVar's aggregate classification.

Clinical Genetics, Academic Medical Center
Classification: Pathogenic. Review status: no assertion criteria provided. Collection method: clinical testing. Allele origin: germline. Affected: yes. Study: VKGL Data-share Consensus. Not counted in ClinVar's aggregate classification.

Joint Genome Diagnostic Labs from Nijmegen and Maastricht, Radboudumc and MUMC+
Classification: Pathogenic. Review status: no assertion criteria provided. Collection method: clinical testing. Allele origin: germline. Affected: yes. Study: VKGL Data-share Consensus. Not counted in ClinVar's aggregate classification.

Literature cited by the submitters: PubMed 18836446 (cited by Labcorp Genetics (formerly Invitae), Labcorp); PubMed 20333770 (cited by Labcorp Genetics (formerly Invitae), Labcorp); PubMed 29159838 (cited by Labcorp Genetics (formerly Invitae), Labcorp and Institute of Human Genetics, Univ. Regensburg, Univ. Regensburg); PubMed 3253185 (cited by Institute of Human Genetics, Univ. Regensburg, Univ. Regensburg).